The following is an entry in ClinVar:

NM_015450.3(POT1):c.47A>G (p.Gln16Arg)

Gene: POT1 (protection of telomeres 1; minus strand). Cytogenetic location: 7q31.33.
Variant type: single nucleotide variant.
Coding change: c.47A>G on transcript NM_015450.3 (MANE Select); coding-DNA position 47, A replaced by G.
Protein change: p.Gln16Arg; replaces glutamine 16 with arginine.
Molecular consequence: missense variant. On other transcripts: 5 prime UTR variant (1), non-coding transcript variant (3).
Genome position (GRCh38, 1-based): chr7:124,892,343, T>C on the plus strand (A>G on the coding strand, the complement: POT1 is on the minus strand). VCF-style: chr7-124892343-T-C. GRCh37 (hg19) VCF-style: chr7-124532397-T-C.
Other names: c.-216A>G (NM_001042594.2); short protein forms Q16R.
Identifiers: ClinVar variation 3782003 (VCV003782003.1).

ClinVar aggregate classification (germline): Uncertain significance (1 of 4 stars; one submission).

Conditions:
Hereditary cancer-predisposing syndrome. Also called: Neoplastic Syndromes, Hereditary; Hereditary Cancer Syndrome; Tumor predisposition; Hereditary neoplastic syndrome. Identifiers: Orphanet 140162, MedGen C0027672, MeSH D009386, MONDO:0015356.

Submission:

Ambry Genetics
Classification: Uncertain significance for Hereditary cancer-predisposing syndrome. Last evaluated: 2025-02-09. Review status: criteria provided, single submitter. Criteria: Ambry Variant Classification Scheme 2023. Collection method: clinical testing. Allele origin: germline.
Comment: The p.Q16R variant (also known as c.47A>G), located in coding exon 2 of the POT1 gene, results from an A to G substitution at nucleotide position 47. The glutamine at codon 16 is replaced by arginine, an amino acid with highly similar properties. This amino acid position is conserved. In addition, this alteration is predicted to be tolerated by in silico analysis. Based on the available evidence, the clinical significance of this variant remains unclear.